The following is an entry in ClinVar:

NM_003701.4(TNFSF11):c.79G>C (p.Glu27Gln)

Genes: TNFSF11 (TNF superfamily member 11; plus strand), LOC130009662 (ATAC-STARR-seq lymphoblastoid silent region 5301; plus strand). Cytogenetic location: 13q14.11.
Variant type: single nucleotide variant.
Coding change: c.79G>C on transcript NM_003701.4 (MANE Select); coding-DNA position 79, G replaced by C.
Protein change: p.Glu27Gln; replaces glutamic acid 27 with glutamine.
Molecular consequence: missense variant. On other transcripts: intron variant (1).
Genome position (GRCh38, 1-based): chr13:42,574,382, G>C. VCF-style: chr13-42574382-G-C. GRCh37 (hg19) VCF-style: chr13-43148518-G-C.
Other names: c.-1+2644G>C (NM_033012.4); c.79G>C (NM_003701.3); short protein forms E27Q.
Identifiers: ClinVar variation 1422743 (VCV001422743.6), dbSNP rs754979296, ClinGen allele CA6967113.

ClinVar aggregate classification (germline): Uncertain significance. Review status: criteria provided, multiple submitters, no conflicts (2 of 4 stars). 2 submissions from 2 submitters: Uncertain significance (2). Last evaluated 2024-10-07.

Conditions:
Inborn genetic diseases. Identifiers: MedGen C0950123, MeSH D030342.

Allele frequency attached by ClinVar (database versions not stated): ExAC 0.00008.
gnomAD v4.1: 83 of 1,546,256 alleles (0.0054%); highest among the groups gnomAD compares: South Asian, 0.0083%; no homozygotes.

Submissions (2):

Labcorp Genetics (formerly Invitae), Labcorp
Classification: Uncertain significance. Last evaluated: 2024-10-07. Review status: criteria provided, single submitter. Criteria: Invitae Variant Classification Sherloc (09022015). Collection method: clinical testing. Allele origin: germline.
Comment: This sequence change replaces glutamic acid, which is acidic and polar, with glutamine, which is neutral and polar, at codon 27 of the TNFSF11 protein (p.Glu27Gln). This variant is present in population databases (rs754979296, gnomAD 0.01%). This variant has not been reported in the literature in individuals affected with TNFSF11-related conditions. ClinVar contains an entry for this variant (Variation ID: 1422743). An algorithm developed to predict the effect of missense changes on protein structure and function (PolyPhen-2) suggests that this variant is likely to be disruptive. In summary, the available evidence is currently insufficient to determine the role of this variant in disease. Therefore, it has been classified as a Variant of Uncertain Significance.

Ambry Genetics
Classification: Uncertain significance for Inborn genetic diseases. Last evaluated: 2024-04-22. Review status: criteria provided, single submitter. Criteria: Ambry Variant Classification Scheme 2023. Collection method: clinical testing. Allele origin: germline.